The following is an entry in ClinVar:

ClinVar aggregate classification (germline): Uncertain significance. Review status: criteria provided, multiple submitters, no conflicts (2 of 4 stars). 3 submissions from 3 submitters: Uncertain significance (3). Last evaluated 2024-08-28.

Conditions:
Intellectual disability, autosomal dominant 16 (CSS4). Also called: COFFIN-SIRIS SYNDROME 4. Identifiers: Orphanet 1465, MedGen C3553249, MONDO:0013821, OMIM 614609.
Hereditary cancer-predisposing syndrome. Also called: Tumor predisposition; Hereditary Cancer Syndrome; Neoplastic Syndromes, Hereditary; Hereditary neoplastic syndrome. Identifiers: Orphanet 140162, MedGen C0027672, MeSH D009386, MONDO:0015356.
Rhabdoid tumor predisposition syndrome 2 (RTPS2). Identifiers: Orphanet 231108, Orphanet 69077, MedGen C2750074, MONDO:0013224, OMIM 613325.

Submissions (3):

Labcorp Genetics (formerly Invitae), Labcorp
Classification: Uncertain significance for Rhabdoid tumor predisposition syndrome 2. Last evaluated: 2024-08-28. Review status: criteria provided, single submitter. Criteria: Invitae Variant Classification Sherloc (09022015). Collection method: clinical testing. Allele origin: germline.
Comment: This sequence change replaces aspartic acid, which is acidic and polar, with asparagine, which is neutral and polar, at codon 1086 of the SMARCA4 protein (p.Asp1086Asn). This variant is not present in population databases (gnomAD no frequency). This variant has not been reported in the literature in individuals affected with SMARCA4-related conditions. ClinVar contains an entry for this variant (Variation ID: 823315). Invitae Evidence Modeling of protein sequence and biophysical properties (such as structural, functional, and spatial information, amino acid conservation, physicochemical variation, residue mobility, and thermodynamic stability) indicates that this missense variant is expected to disrupt SMARCA4 protein function with a positive predictive value of 95%. In summary, the available evidence is currently insufficient to determine the role of this variant in disease. Therefore, it has been classified as a Variant of Uncertain Significance.

Genome-Nilou Lab
Classification: Uncertain significance for Intellectual disability, autosomal dominant 16. Last evaluated: 2021-07-15. Review status: criteria provided, single submitter. Criteria: ACMG Guidelines, 2015. Collection method: clinical testing. Allele origin: germline. Affected: no.

Ambry Genetics
Classification: Uncertain significance for Hereditary cancer-predisposing syndrome. Last evaluated: 2021-03-11. Review status: criteria provided, single submitter. Criteria: Ambry Variant Classification Scheme 2023. Collection method: clinical testing. Allele origin: germline.
Comment: The p.D1086N variant (also known as c.3256G>A), located in coding exon 23 of the SMARCA4 gene, results from a G to A substitution at nucleotide position 3256. The aspartic acid at codon 1086 is replaced by asparagine, an amino acid with highly similar properties. This amino acid position is highly conserved in available vertebrate species. In addition, the in silico prediction for this alteration is inconclusive. Missense and in-frame variants in SMARCA4 are known to cause neurodevelopmental disorders; however, such associations with rhabdoid tumor predisposition syndrome including small cell carcinoma of the ovary-hypercalcemic type (SCCOHT) are exceedingly rare (Kosho T et al. Am J Med Genet C Semin Med Genet. 2014 Sep;166C(3):262-75; Jelinic P et al. Nat Genet. 2014 May;46(5):424-6). Based on the supporting evidence, the association of this alteration with Coffin-Siris syndrome is unknown; however, the association of this alteration with rhabdoid tumor predisposition syndrome is unlikely.

NM_003072.5(SMARCA4):c.3256G>A (p.Asp1086Asn)

Gene: SMARCA4 (SWI/SNF related BAF chromatin remodeling complex subunit ATPase 4; plus strand). Cytogenetic location: 19p13.2.
Variant type: single nucleotide variant.
Coding change: c.3256G>A on transcript NM_003072.5 (MANE Select); coding-DNA position 3256, G replaced by A.
Protein change: p.Asp1086Asn; replaces aspartic acid 1086 with asparagine.
Molecular consequence: missense variant. On other transcripts: non-coding transcript variant (1).
Genome position (GRCh38, 1-based): chr19:11,027,824, G>A. VCF-style: chr19-11027824-G-A. GRCh37 (hg19) VCF-style: chr19-11138500-G-A.
Other names: c.3256G>A, p.Asp1086Asn (NM_001128844.3, NM_001128845.2, NM_001128846.2 and 4 more transcripts); short protein forms D1086N.
Identifiers: ClinVar variation 823315 (VCV000823315.16), dbSNP rs1600335439, ClinGen allele CA404061373.